The following is an entry in ClinVar:

NM_024675.4(PALB2):c.444G>T (p.Lys148Asn)

Gene: PALB2 (partner and localizer of BRCA2; minus strand). Cytogenetic location: 16p12.2.
Variant type: single nucleotide variant.
Coding change: c.444G>T on transcript NM_024675.4 (MANE Select); coding-DNA position 444, G replaced by T.
Protein change: p.Lys148Asn; replaces lysine 148 with asparagine.
Molecular consequence: missense variant.
Genome position (GRCh38, 1-based): chr16:23,636,102, C>A on the plus strand (G>T on the coding strand, the complement: PALB2 is on the minus strand). VCF-style: chr16-23636102-C-A. GRCh37 (hg19) VCF-style: chr16-23647423-C-A.
Other names: short protein forms K148N.
Identifiers: ClinVar variation 921558 (VCV000921558.4), dbSNP rs1060502782, ClinGen allele CA395137247.

ClinVar aggregate classification (germline): Uncertain significance (1 of 4 stars; one submission).

Conditions:
Hereditary cancer-predisposing syndrome. Also called: Neoplastic Syndromes, Hereditary; Tumor predisposition; Hereditary Cancer Syndrome; Hereditary neoplastic syndrome. Identifiers: Orphanet 140162, MedGen C0027672, MeSH D009386, MONDO:0015356.

Submission:

Color Diagnostics, LLC DBA Color Health
Classification: Uncertain significance for Hereditary cancer-predisposing syndrome. Last evaluated: 2024-03-06. Review status: criteria provided, single submitter. Criteria: ACMG Guidelines, 2015. Collection method: clinical testing. Allele origin: germline.
Comment: This missense variant replaces lysine with asparagine at codon 148 of the PALB2 protein. Computational prediction suggests that this variant may not impact protein structure and function (internally defined REVEL score threshold <= 0.5, PMID: 27666373). To our knowledge, functional studies have not been reported for this variant. This variant has not been reported in individuals affected with hereditary cancer in the literature. This variant has not been identified in the general population by the Genome Aggregation Database (gnomAD). The available evidence is insufficient to determine the role of this variant in disease conclusively. Therefore, this variant is classified as a Variant of Uncertain Significance.